The following is an entry in ClinVar:

NM_005908.4(MANBA):c.1915C>T (p.Arg639Cys)

Gene: MANBA (mannosidase beta; minus strand). Cytogenetic location: 4q24.
Variant type: single nucleotide variant.
Coding change: c.1915C>T on transcript NM_005908.4 (MANE Select); coding-DNA position 1915, C replaced by T.
Protein change: p.Arg639Cys; replaces arginine 639 with cysteine.
Molecular consequence: missense variant.
Genome position (GRCh38, 1-based): chr4:102,639,812, G>A on the plus strand (C>T on the coding strand, the complement: MANBA is on the minus strand). VCF-style: chr4-102639812-G-A. GRCh37 (hg19) VCF-style: chr4-103560969-G-A.
Other names: short protein forms R639C.
Identifiers: ClinVar variation 2046237 (VCV002046237.1), dbSNP rs144426440, ClinGen allele CA3026759.

ClinVar aggregate classification (germline): Uncertain significance (1 of 4 stars; one submission).

Conditions:
Beta-D-mannosidosis (MANSB). Also called: MANNOSIDOSIS, BETA A, LYSOSOMAL; BETA-MANNOSIDASE DEFICIENCY; LYSOSOMAL BETA-MANNOSIDASE DEFICIENCY; Beta-Mannosidosis. Identifiers: Orphanet 118, MedGen C4048196, MONDO:0009562, OMIM 248510.

Allele frequency attached by ClinVar (database versions not stated): ExAC 0.00001; ESP Exome Variant Server 0.00008.
gnomAD v4.1: 20 of 1,613,878 alleles (0.0012%); highest among the groups gnomAD compares: Admixed American, 0.0067%; no homozygotes.

Submission:

Labcorp Genetics (formerly Invitae), Labcorp
Classification: Uncertain significance for Beta-D-mannosidosis. Last evaluated: 2025-10-01. Review status: criteria provided, single submitter. Criteria: Invitae Variant Classification Sherloc (09022015). Collection method: clinical testing. Allele origin: germline.
Comment: This sequence change replaces arginine, which is basic and polar, with cysteine, which is neutral and slightly polar, at codon 639 of the MANBA protein (p.Arg639Cys). This variant is present in population databases (rs144426440, gnomAD 0.0009%). This variant has not been reported in the literature in individuals affected with MANBA-related conditions. ClinVar contains an entry for this variant (Variation ID: 2046237). Invitae Evidence Modeling of protein sequence and biophysical properties (such as structural, functional, and spatial information, amino acid conservation, physicochemical variation, residue mobility, and thermodynamic stability) has been performed for this missense variant. However, the output from this modeling did not meet the statistical confidence thresholds required to predict the impact of this variant on MANBA protein function. In summary, the available evidence is currently insufficient to determine the role of this variant in disease. Therefore, it has been classified as a Variant of Uncertain Significance.